The following is an entry in ClinVar:

NM_015261.3(NCAPD3):c.3408G>A (p.Leu1136=)

Gene: NCAPD3 (non-SMC condensin II complex subunit D3; minus strand). Cytogenetic location: 11q25.
Variant type: single nucleotide variant.
Coding change: c.3408G>A on transcript NM_015261.3 (MANE Select); coding-DNA position 3408, G replaced by A.
Protein change: p.Leu1136=; no amino-acid change (leucine 1136 retained).
Molecular consequence: synonymous variant.
Genome position (GRCh38, 1-based): chr11:134,168,161, C>T on the plus strand (G>A on the coding strand, the complement: NCAPD3 is on the minus strand). VCF-style: chr11-134168161-C-T. GRCh37 (hg19) VCF-style: chr11-134038056-C-T.
Other names: c.3408G>A, p.Leu1136= (NM_001372065.1, NM_001372068.1); c.2994G>A, p.Leu998= (NM_001372069.1, NM_001372070.1).
Identifiers: ClinVar variation 3051753 (VCV003051753.2), dbSNP rs774185836, ClinGen allele CA477848124.

ClinVar aggregate classification (germline): Likely benign (0 of 4 stars; one submission).

Conditions:
NCAPD3-related disorder. Also called: NCAPD3-related condition.

gnomAD v4.1: 1 of 1,614,128 alleles (0.000062%); highest among the groups gnomAD compares: Non-Finnish European, 0.000085%; no homozygotes.

Submission:

PreventionGenetics, part of Exact Sciences
Classification: Likely benign for NCAPD3-related condition. Last evaluated: 2023-07-07. Review status: no assertion criteria provided. Collection method: clinical testing. Allele origin: germline.
Comment: This variant is classified as likely benign based on ACMG/AMP sequence variant interpretation guidelines (Richards et al. 2015 PMID: 25741868, with internal and published modifications).